The following is an entry in ClinVar:

ClinVar aggregate classification (germline): Benign (1 of 4 stars; one submission).

Submission:

CeGaT Center for Human Genetics Tuebingen
Classification: Benign. Last evaluated: 2025-11-01. Review status: criteria provided, single submitter. Criteria: CeGaT Center For Human Genetics Tuebingen Variant Classification Criteria Version 2. Collection method: clinical testing. Allele origin: germline. Affected: yes. Observed: 1 variant allele.
Comment: NRXN3: BS1, BS2

NM_001330195.2(NRXN3):c.757+173432AC[14]

Gene: NRXN3 (neurexin 3; plus strand). Cytogenetic location: 14q24.3.
Variant type: Microsatellite.
Coding change: c.757+173432AC[14] on transcript NM_001330195.2 (MANE Select); 14 copies in a row of the 2-base unit AC starting at c.757+173432; the reference has 21 copies in a row; seven copies, 14 bases deleted.
Molecular consequence: intron variant.
Genome position (GRCh38, 1-based): chr14:78,471,320-78,471,333, ACACACACACACAC deleted; deleting any 14 consecutive bases within chr14:78,471,292-78,471,333 gives the same sequence; the position shown is the placement nearest the transcript's 3' end. VCF-style (leftmost placement, unchanged base first): chr14-78471291-AACACACACACACAC-A. GRCh37 (hg19) VCF-style: chr14-78937634-AACACACACACACAC-A.
Other names: c.769+170601AC[14] (NM_001366426.1); c.757+173432AC[14] (NM_001366425.1); c.-363+67414AC[14] (NM_004796.6).
Identifiers: ClinVar variation 4534611 (VCV004534611.6).